The following is an entry in ClinVar:

NM_001276270.2(MBD4):c.1423T>C (p.Phe475Leu)

Gene: MBD4 (methyl-CpG binding domain 4, DNA glycosylase; minus strand). Cytogenetic location: 3q21.3.
Variant type: single nucleotide variant.
Coding change: c.1423T>C on transcript NM_001276270.2 (MANE Select); coding-DNA position 1423, T replaced by C.
Protein change: p.Phe475Leu; replaces phenylalanine 475 with leucine.
Molecular consequence: missense variant.
Genome position (GRCh38, 1-based): chr3:129,433,218, A>G on the plus strand (T>C on the coding strand, the complement: MBD4 is on the minus strand). VCF-style: chr3-129433218-A-G. GRCh37 (hg19) VCF-style: chr3-129152061-A-G.
Other names: c.487T>C, p.Phe163Leu (NM_001276273.2); c.1441T>C, p.Phe481Leu (NM_003925.3, NM_001276271.2, NM_001276272.2); short protein forms F481L, F163L, F475L.
Identifiers: ClinVar variation 3643666 (VCV003643666.3).

ClinVar aggregate classification (germline): Uncertain significance. Review status: criteria provided, multiple submitters, no conflicts (2 of 4 stars). 2 submissions from 2 submitters: Uncertain significance (2). Last evaluated 2026-07-11.

Conditions:
Inborn genetic diseases. Identifiers: MedGen C0950123, MeSH D030342.

Submissions (2):

Ambry Genetics
Classification: Uncertain significance for Inborn genetic diseases. Last evaluated: 2026-07-11. Review status: criteria provided, single submitter. Criteria: Ambry Variant Classification Scheme 2023. Collection method: clinical testing. Allele origin: germline.
Comment: The p.F475L variant (also known as c.1423T>C), located in coding exon 6 of the MBD4 gene, results from a T to C substitution at nucleotide position 1423. The phenylalanine at codon 475 is replaced by leucine, an amino acid with highly similar properties. This amino acid position is conserved. In addition, this alteration is predicted to be deleterious by in silico analysis. Based on the available evidence, the clinical significance of this variant remains unclear.

Labcorp Genetics (formerly Invitae), Labcorp
Classification: Uncertain significance. Last evaluated: 2025-10-16. Review status: criteria provided, single submitter. Criteria: Invitae Variant Classification Sherloc (09022015). Collection method: clinical testing. Allele origin: germline.
Comment: This sequence change replaces phenylalanine, which is neutral and non-polar, with leucine, which is neutral and non-polar, at codon 481 of the MBD4 protein (p.Phe481Leu). This variant is not present in population databases (gnomAD no frequency). This variant has not been reported in the literature in individuals affected with MBD4-related conditions. ClinVar contains an entry for this variant (Variation ID: 3643666). An algorithm developed to predict the effect of missense changes on protein structure and function (PolyPhen-2) suggests that this variant is likely to be disruptive. In summary, the available evidence is currently insufficient to determine the role of this variant in disease. Therefore, it has been classified as a Variant of Uncertain Significance.